The following is an entry in ClinVar:

ClinVar aggregate classification (germline): Likely pathogenic (1 of 4 stars; one submission).

Conditions:
Gnathodiaphyseal dysplasia (GDD). Also called: GNATHODIAPHYSEAL SCLEROSIS; OSTEOGENESIS IMPERFECTA WITH UNUSUAL SKELETAL LESIONS. Identifiers: Orphanet 53697, MedGen C1833736, MONDO:0008151, OMIM 166260.
Autosomal recessive limb-girdle muscular dystrophy type 2L (LGMDR12). Also called: Limb-girdle muscular dystrophy, type 2L; MUSCULAR DYSTROPHY, LIMB-GIRDLE, AUTOSOMAL RECESSIVE 12; Limb-Girdle Muscular Dystrophy R12 Anoctamin-5-Related (LGMD-R12). Identifiers: Orphanet 206549, MedGen C1969785, MONDO:0012652, OMIM 611307.

Submission:

Labcorp Genetics (formerly Invitae), Labcorp
Classification: Likely pathogenic for Autosomal recessive limb-girdle muscular dystrophy type 2L; Gnathodiaphyseal dysplasia. Last evaluated: 2024-05-23. Review status: criteria provided, single submitter. Criteria: Invitae Variant Classification Sherloc (09022015). Collection method: clinical testing. Allele origin: germline.
Comment: This sequence change replaces glycine, which is neutral and non-polar, with cysteine, which is neutral and slightly polar, at codon 348 of the ANO5 protein (p.Gly348Cys). This variant is not present in population databases (gnomAD no frequency). This variant has not been reported in the literature in individuals affected with ANO5-related conditions. ClinVar contains an entry for this variant (Variation ID: 1469437). Advanced modeling of protein sequence and biophysical properties (such as structural, functional, and spatial information, amino acid conservation, physicochemical variation, residue mobility, and thermodynamic stability) performed at Invitae indicates that this missense variant is expected to disrupt ANO5 protein function with a positive predictive value of 95%. This variant disrupts the p.Gly348 amino acid residue in ANO5. Other variant(s) that disrupt this residue have been determined to be pathogenic (Invitae). This suggests that this residue is clinically significant, and that variants that disrupt this residue are likely to be disease-causing. In summary, the currently available evidence indicates that the variant is pathogenic, but additional data are needed to prove that conclusively. Therefore, this variant has been classified as Likely Pathogenic.

NM_213599.3(ANO5):c.1042G>T (p.Gly348Cys)

Gene: ANO5 (anoctamin 5; plus strand). Cytogenetic location: 11p14.3.
Variant type: single nucleotide variant.
Coding change: c.1042G>T on transcript NM_213599.3 (MANE Select); coding-DNA position 1042, G replaced by T.
Protein change: p.Gly348Cys; replaces glycine 348 with cysteine.
Molecular consequence: missense variant.
Genome position (GRCh38, 1-based): chr11:22,250,769, G>T. VCF-style: chr11-22250769-G-T. GRCh37 (hg19) VCF-style: chr11-22272315-G-T.
Other names: c.1039G>T, p.Gly347Cys (NM_001142649.2); short protein forms G348C, G347C.
Identifiers: ClinVar variation 1469437 (VCV001469437.8), dbSNP rs139344099, ClinGen allele CA379921005.